The following is an entry in ClinVar:

ClinVar aggregate classification (germline): Likely pathogenic (1 of 4 stars; one submission).

Submission:

GeneDx
Classification: Likely pathogenic. Last evaluated: 2019-09-09. Review status: criteria provided, single submitter. Criteria: GeneDx Variant Classification (06012015). Collection method: clinical testing. Allele origin: germline. Affected: yes.
Comment: Frameshift variant predicted to result in protein truncation or nonsense mediated decay in a gene for which loss-of-function is a known mechanism of disease; Not observed in large population cohorts (Lek et al., 2016); Has not been previously published as pathogenic or benign to our knowledge

NM_170606.3(KMT2C):c.9444dup (p.Ile3149fs)

Gene: KMT2C (lysine methyltransferase 2C; minus strand). Cytogenetic location: 7q36.1.
Variant type: Duplication.
Coding change: c.9444dup on transcript NM_170606.3 (MANE Select); coding-DNA position 9444, one base duplicated (C; older notation c.9444dupC).
Protein change: p.Ile3149fs; shifts the reading frame from isoleucine 3149.
Molecular consequence: frameshift variant.
Genome position (GRCh38, 1-based): chr7:152,171,273, G duplicated on the plus strand (C on the coding strand, the reverse complement: KMT2C is on the minus strand); the first of 2 consecutive G bases (chr7:152,171,273-152,171,274); duplicating either gives the same sequence. VCF-style (leftmost placement, unchanged base first): chr7-152171272-T-TG. GRCh37 (hg19) VCF-style: chr7-151868357-T-TG.
Other names: short protein forms I3149fs.
Identifiers: ClinVar variation 818082 (VCV000818082.1), dbSNP rs1587896236, ClinGen allele CA915945591.